The following is an entry in ClinVar:

NC_000016.9:g.(?_81888029)_(81941399_?)del

Gene: PLCG2 (phospholipase C gamma 2; plus strand). Cytogenetic location: 16q23.3.
Variant type: Deletion.
Identifiers: ClinVar variation 3243508 (VCV003243508.1).

ClinVar aggregate classification (germline): Uncertain significance (1 of 4 stars; one submission).

Conditions:
Familial cold autoinflammatory syndrome 3 (FCAS3). Also called: FAMILIAL ATYPICAL COLD URTICARIA; ANTIBODY DEFICIENCY AND IMMUNE DYSREGULATION, PLCG2-ASSOCIATED. Identifiers: Orphanet 300359, MedGen C3280914, MONDO:0013766, OMIM 614468.

Submission:

Labcorp Genetics (formerly Invitae), Labcorp
Classification: Uncertain significance for Familial cold autoinflammatory syndrome 3. Last evaluated: 2022-11-26. Review status: criteria provided, single submitter. Criteria: Invitae Variant Classification Sherloc (09022015). Collection method: clinical testing. Allele origin: unknown.
Comment: In summary, the available evidence is currently insufficient to determine the role of this variant in disease. Therefore, it has been classified as a Variant of Uncertain Significance. This variant has not been reported in the literature in individuals affected with PLCG2-related conditions. This variant is a gross deletion of the genomic region encompassing exon(s) 3-16 of the PLCG2 gene. This deletion is out-of-frame, and is expected to create a premature translational stop signal and result in an absent or disrupted protein product. However, the current clinical and genetic evidence is not sufficient to establish whether loss-of-function variants in PLCG2 cause disease.